The following is an entry in ClinVar:

ClinVar aggregate classification (germline): Pathogenic. Review status: reviewed by expert panel (3 of 4 stars). 5 submissions from 5 submitters: Pathogenic (1). 4 of the submissions do not count toward it. Last evaluated 2020-01-10.

Conditions:
Cystic fibrosis (CF). Also called: MUCOVISCIDOSIS. Identifiers: Orphanet 586, MedGen C0010674, MONDO:0009061, OMIM 219700. Disease mechanism: loss of function.
CFTR-related disorder (CFTR-RD). Also called: CFTR-related disorders; CFTR-related condition. Identifiers: MedGen C5924204, MONDO:7770004.

Submissions (5):

CFTR2
Classification: Pathogenic for Cystic fibrosis. Last evaluated: 2020-01-10. Review status: reviewed by expert panel. Criteria: Submitter's publication and website. Collection method: research. Allele origin: germline. Affected: yes.

Women's Health and Genetics/Laboratory Corporation of America, LabCorp
Classification: Likely pathogenic for Cystic fibrosis. Last evaluated: 2025-11-20. Review status: criteria provided, single submitter. Criteria: LabCorp Variant Classification Summary - May 2015. Collection method: clinical testing. Allele origin: germline. Not counted in ClinVar's aggregate classification.
Comment: Variant summary: CFTR c.4097T>A (p.Ile1366Asn) results in a non-conservative amino acid change located in the ABC transporter-like, ATP-binding domain (IPR003439) of the encoded protein sequence. Algorithms developed to predict the effect of missense changes on protein structure and function all suggest that this variant is likely to be disruptive. The variant allele was found at a frequency of 4e-06 in 251286 control chromosomes (gnomAD). c.4097T>A has been observed in in the literature in at least two compound heterozygous individuals affected with Cystic Fibrosis (e.g., Krenkova_2012, Levy_2016, Geurts_2020, Raraigh_2022). These data indicate that the variant is likely to be associated with disease. At least one publication reports experimental evidence evaluating an impact on protein function, finding that the variant results in <10% of normal chloride channel conductance relative to wild type (e.g., Bihler_2024). The following publications have been ascertained in the context of this evaluation (PMID: 23276700, 26671754, 32084388, 35527187, 38388235). ClinVar contains an entry for this variant (Variation ID: 551822). Based on the evidence outlined above, the variant was classified as likely pathogenic.

Natera, Inc.
Classification: Likely pathogenic for CFTR-related disorders. Last evaluated: 2025-02-26. Review status: criteria provided, single submitter. Criteria: Natera Variant Classification Schema (03/2026). Collection method: clinical testing. Allele origin: germline. Not counted in ClinVar's aggregate classification.
Comment: The c.4097T>A variant in CFTR is a missense variant predicted to cause substitution of isoleucine to asparagine at amino acid 1366. This variant is rare in the general population with a frequency below the threshold expected for the associated phenotype(s). This variant has been observed in one or more individuals affected with the associated recessive disease, as either homozygous or compound heterozygous with a second variant (PMID: 32084388, 38901883). Functional studies show that this variant may disrupt protein function (PMID: 38388235). Computational prediction algorithms indicate this variant is likely to affect gene or protein function. Given the available evidence, this variant is classified as Likely Pathogenic.

Institute of Human Genetics, University of Leipzig Medical Center
Classification: Pathogenic for Cystic fibrosis. Last evaluated: 2022-09-05. Review status: criteria provided, single submitter. Criteria: ACMG Guidelines, 2015. Collection method: curation. Allele origin: unknown. Affected: yes. Observed: 2 variant alleles. Not counted in ClinVar's aggregate classification.
Comment: This variant was identified in 2 unrelated patients with a clinically confirmed diagnosis of cystic fibrosis. The variant was classified in the context of a project re-classifying variants in the German Cystic Fibrosis Registry (Muko.e.V.). Criteria applied: PM2_SUP, PM3_STR, PM5_STR, PP3

Counsyl
Classification: Uncertain significance for Cystic fibrosis. Last evaluated: 2017-05-15. Review status: no assertion criteria provided. Collection method: clinical testing. Allele origin: unknown. Not counted in ClinVar's aggregate classification.

Literature cited by the submitters: PubMed 23276700 (cited by Women's Health and Genetics/Laboratory Corporation of America, LabCorp and Counsyl); PubMed 26671754 (cited by Women's Health and Genetics/Laboratory Corporation of America, LabCorp); PubMed 32084388 (cited by Women's Health and Genetics/Laboratory Corporation of America, LabCorp and Natera, Inc.); PubMed 35527187 (cited by Women's Health and Genetics/Laboratory Corporation of America, LabCorp); PubMed 38388235 (cited by Women's Health and Genetics/Laboratory Corporation of America, LabCorp and Natera, Inc.); PubMed 38901883 (cited by Natera, Inc.).

NM_000492.4(CFTR):c.4097T>A (p.Ile1366Asn)

Gene: CFTR (CF transmembrane conductance regulator; plus strand). Cytogenetic location: 7q31.2.
Variant type: single nucleotide variant.
Coding change: c.4097T>A on transcript NM_000492.4 (MANE Select); coding-DNA position 4097, T replaced by A.
Protein change: p.Ile1366Asn; replaces isoleucine 1366 with asparagine.
Molecular consequence: missense variant.
Genome position (GRCh38, 1-based): chr7:117,664,821, T>A. VCF-style: chr7-117664821-T-A. GRCh37 (hg19) VCF-style: chr7-117304875-T-A.
Other names: p.Ile1366Asn; short protein forms I1366N.
Identifiers: ClinVar variation 551822 (VCV000551822.7), dbSNP rs200955612, ClinGen allele CA368982825.